The following is an entry in ClinVar:

ClinVar aggregate classification (germline): Likely pathogenic. Review status: criteria provided, multiple submitters, no conflicts (2 of 4 stars). 4 submissions from 4 submitters: Likely pathogenic (4). Last evaluated 2024-12-20.

Conditions:
Hereditary cancer-predisposing syndrome. Also called: Neoplastic Syndromes, Hereditary; Hereditary neoplastic syndrome; Hereditary Cancer Syndrome; Tumor predisposition. Identifiers: Orphanet 140162, MedGen C0027672, MeSH D009386, MONDO:0015356.
Multiple endocrine neoplasia, type 1 (MEN1). Also called: Endocrine adenomatosis multiple; MEN 1; MEN I; WERMER SYNDROME; MEA I. Identifiers: Orphanet 652, MedGen C0025267, MeSH D018761, MONDO:0007540, OMIM 131100.

Allele frequency attached by ClinVar (database versions not stated): gnomAD exomes below 0.00001.
gnomAD v4.1: 1 of 1,614,164 alleles (0.000062%); highest among the groups gnomAD compares: Non-Finnish European, 0.000085%; no homozygotes.

Submissions (4):

Women's Health and Genetics/Laboratory Corporation of America, LabCorp
Classification: Likely pathogenic for Multiple endocrine neoplasia, type 1. Last evaluated: 2024-12-20. Review status: criteria provided, single submitter. Criteria: LabCorp Variant Classification Summary - May 2015. Collection method: clinical testing. Allele origin: germline.
Comment: Variant summary: MEN1 c.721T>C (p.Cys241Arg) results in a non-conservative amino acid change located in the Menin domain ( IPR007747) of the encoded protein sequence. Four of five in-silico tools predict a damaging effect of the variant on protein function. The variant was absent in 251396 control chromosomes. c.721T>C has been reported in the literature in at-least five individuals affected with Multiple Endocrine Neoplasia Type 1 (example, Mutch_1999, White_2010, Labcorp (formerly Invitae)). These data indicate that the variant is likely to be associated with disease. To our knowledge, no experimental evidence demonstrating an impact on protein function has been reported. Additionally, at least 2 variants at the Cys241 residue have been reported Likely Pathogenic at our lab (p.Cys241Tyr/Phe), suggesting that this codon may be functionally important. The following publications have been ascertained in the context of this evaluation (PMID: 10090472, 20231234, internal data). ClinVar contains an entry for this variant (Variation ID: 659647). Based on the evidence outlined above, the variant was classified as likely pathogenic.

GeneDx
Classification: Likely pathogenic. Last evaluated: 2022-10-06. Review status: criteria provided, single submitter. Criteria: GeneDx Variant Classification Process June 2021. Collection method: clinical testing. Allele origin: germline. Affected: yes.
Comment: Not observed at significant frequency in large population cohorts (gnomAD); In silico analysis supports that this missense variant has a deleterious effect on protein structure/function; Also known as c.831T>C; p.C246R; This variant is associated with the following publications: (PMID: 15281352, 15670192, 17879353, 9989505, 12874027, 20231234, 10090472)

Ambry Genetics
Classification: Likely pathogenic for Hereditary cancer-predisposing syndrome. Last evaluated: 2022-09-02. Review status: criteria provided, single submitter. Criteria: Ambry Variant Classification Scheme 2023. Collection method: clinical testing. Allele origin: germline.
Comment: The p.C241R variant (also known as c.721T>C), located in coding exon 3 of the MEN1 gene, results from a T to C substitution at nucleotide position 721. The cysteine at codon 241 is replaced by arginine, an amino acid with highly dissimilar properties. This alteration has been identified in several patients with clinical features of multiple endocrine neoplasia type 1 (MEN1) (Mutch MG et al. Hum. Mutat., 1999;13:175-85; Ellard S et al. Clin Endocrinol (Oxf), 2005 Feb;62:169-75; White HD et al. QJM, 2010 May;103:337-45; Ambry internal data). This variant is considered to be rare based on population cohorts in the Genome Aggregation Database (gnomAD). This amino acid position is highly conserved in available vertebrate species. In addition, this alteration is predicted to be deleterious by in silico analysis. Based on the majority of available evidence to date, this variant is likely to be pathogenic.

Labcorp Genetics (formerly Invitae), Labcorp
Classification: Likely pathogenic for Multiple endocrine neoplasia, type 1. Last evaluated: 2019-10-19. Review status: criteria provided, single submitter. Criteria: Invitae Variant Classification Sherloc (09022015). Collection method: clinical testing. Allele origin: germline.
Comment: In summary, the currently available evidence indicates that the variant is pathogenic, but additional data are needed to prove that conclusively. Therefore, this variant has been classified as Likely Pathogenic. This variant disrupts the p.Cys241 amino acid residue in MEN1. Other variant(s) that disrupt this residue have been observed in individuals with MEN1-related conditions (PMID: 10576763, 12652570), which suggests that this may be a clinically significant amino acid residue. Algorithms developed to predict the effect of missense changes on protein structure and function are either unavailable or do not agree on the potential impact of this missense change (SIFT: "Tolerated"; PolyPhen-2: "Possibly Damaging"; Align-GVGD: "Class C0"). This variant has been observed in several individuals affected with multiple endocrine neoplasia type 1 (PMID: 10090472, 20231234, Invitae). This variant is also known at c.831T>C in the literature. This variant is not present in population databases (ExAC no frequency). This sequence change replaces cysteine with arginine at codon 241 of the MEN1 protein (p.Cys241Arg). The cysteine residue is highly conserved and there is a large physicochemical difference between cysteine and arginine.

Literature cited by the submitters: PubMed 10090472 (cited by 3 submitters); PubMed 20231234 (cited by 3 submitters); PubMed 15670192 (cited by Ambry Genetics); PubMed 10576763 (cited by Labcorp Genetics (formerly Invitae), Labcorp); PubMed 12652570 (cited by Labcorp Genetics (formerly Invitae), Labcorp).

NM_001370259.2(MEN1):c.721T>C (p.Cys241Arg)

Gene: MEN1 (menin 1; minus strand). Cytogenetic location: 11q13.1.
Variant type: single nucleotide variant.
Coding change: c.721T>C on transcript NM_001370259.2 (MANE Select); coding-DNA position 721, T replaced by C.
Protein change: p.Cys241Arg; replaces cysteine 241 with arginine.
Molecular consequence: missense variant.
Genome position (GRCh38, 1-based): chr11:64,807,614, A>G on the plus strand (T>C on the coding strand, the complement: MEN1 is on the minus strand). VCF-style: chr11-64807614-A-G. GRCh37 (hg19) VCF-style: chr11-64575086-A-G.
Other names: c.736T>C, p.Cys246Arg (NM_000244.4, NM_130800.3, NM_130801.3 and 3 more transcripts); c.721T>C, p.Cys241Arg (NM_001370251.2, NM_001370260.2, NM_001370261.2 and 1 more transcripts); c.616T>C, p.Cys206Arg (NM_001370262.2, NM_001370263.2); short protein forms C241R, C206R, C246R.
Identifiers: ClinVar variation 659647 (VCV000659647.15), dbSNP rs1592649108, ClinGen allele CA381184471.